The following is an entry in ClinVar:

ClinVar aggregate classification (germline): Benign/Likely benign. Review status: criteria provided, multiple submitters, no conflicts (2 of 4 stars). 7 submissions from 7 submitters: Benign (3); Likely benign (4). Last evaluated 2026-02-03.

Conditions:
Fanconi anemia (FA). Also called: Fanconi's anemia. Identifiers: Orphanet 84, MedGen C0015625, MeSH D005199, MONDO:0019391.
Fanconi anemia complementation group I (FANCI). Also called: FANCI-Related Fanconi Anemia. Identifiers: Orphanet 84, MedGen C1836861, MONDO:0012186, OMIM 609053.

Allele frequency attached by ClinVar (database versions not stated): gnomAD exomes 0.00064 and 0.00193; ExAC 0.00234; 1000 Genomes Project 0.00679; gnomAD 0.00711 and 0.00772; 1000 Genomes Project 30x 0.00781; TOPMed 0.00804; ESP Exome Variant Server 0.00923.
gnomAD v4.1: 2,063 of 1,613,924 alleles (0.13%); highest among the groups gnomAD compares: African/African-American, 2.4%; 19 homozygotes.

Submissions (7):

Labcorp Genetics (formerly Invitae), Labcorp
Classification: Benign for Fanconi anemia. Last evaluated: 2026-02-03. Review status: criteria provided, single submitter. Criteria: Invitae Variant Classification Sherloc (09022015). Collection method: clinical testing. Allele origin: germline.

Blueprint Genetics
Classification: Likely benign. Last evaluated: 2024-10-24. Review status: criteria provided, single submitter. Criteria: ACMG Guidelines, 2015. Collection method: clinical testing. Allele origin: germline.

ARUP Laboratories, Molecular Genetics and Genomics, ARUP Laboratories
Classification: Benign for Fanconi anemia complementation group I. Last evaluated: 2024-05-01. Review status: criteria provided, single submitter. Criteria: ARUP Molecular Germline Variant Investigation Process 2024. Collection method: clinical testing. Allele origin: germline.

GeneDx
Classification: Likely benign. Last evaluated: 2021-03-23. Review status: criteria provided, single submitter. Criteria: GeneDx Variant Classification Process June 2021. Collection method: clinical testing. Allele origin: germline. Affected: yes.
Comment: See Variant Classification Assertion Criteria.

Illumina Laboratory Services, Illumina
Classification: Benign for Fanconi anemia complementation group I. Last evaluated: 2018-01-12. Review status: criteria provided, single submitter. Criteria: ICSL Variant Classification Criteria 13 December 2019. Collection method: clinical testing. Allele origin: germline.
Comment: This variant was observed in the ICSL laboratory as part of a predisposition screen in an ostensibly healthy population. It had not been previously curated by ICSL or reported in the Human Gene Mutation Database (HGMD: prior to June 1st, 2018), and was therefore a candidate for classification through an automated scoring system. Utilizing variant allele frequency, disease prevalence and penetrance estimates, and inheritance mode, an automated score was calculated to assess if this variant is too frequent to cause the disease. Based on the score and internal cut-off values, a variant classified as benign is not then subjected to further curation. The score for this variant resulted in a classification of benign for this disease.

Genetic Services Laboratory, University of Chicago
Classification: Likely benign. Last evaluated: 2015-12-23. Review status: criteria provided, single submitter. Criteria: ACMG Guidelines, 2015. Collection method: clinical testing. Allele origin: germline. Affected: no.

Breakthrough Genomics
Classification: Likely benign. Review status: criteria provided, single submitter. Criteria: ACMG Guidelines, 2015. Collection method: not provided. Allele origin: germline. Inheritance: Autosomal recessive inheritance. Affected: yes.

NM_001113378.2(FANCI):c.1326G>A (p.Glu442=)

Gene: FANCI (FA complementation group I; plus strand). Cytogenetic location: 15q26.1.
Variant type: single nucleotide variant.
Coding change: c.1326G>A on transcript NM_001113378.2 (MANE Select); coding-DNA position 1326, G replaced by A.
Protein change: p.Glu442=; no amino-acid change (glutamic acid 442 retained).
Molecular consequence: synonymous variant.
Genome position (GRCh38, 1-based): chr15:89,278,719, G>A. VCF-style: chr15-89278719-G-A. GRCh37 (hg19) VCF-style: chr15-89821950-G-A.
Other names: c.1047G>A, p.Glu349= (NM_001376910.1); c.1326G>A, p.Glu442= (NM_001376911.1, NM_018193.3).
Identifiers: ClinVar variation 317276 (VCV000317276.23), dbSNP rs34405660, ClinGen allele CA7722989.